The following is an entry in ClinVar:

ClinVar aggregate classification (germline): Pathogenic. Review status: reviewed by expert panel (3 of 4 stars). 8 submissions from 8 submitters: Pathogenic (1). 7 of the submissions do not count toward it. Last evaluated 2016-09-08.

Conditions:
Hereditary cancer-predisposing syndrome. Also called: Tumor predisposition; Neoplastic Syndromes, Hereditary; Hereditary neoplastic syndrome; Hereditary Cancer Syndrome. Identifiers: Orphanet 140162, MedGen C0027672, MeSH D009386, MONDO:0015356.
Hereditary breast ovarian cancer syndrome. Also called: Hereditary breast and ovarian cancer; Hereditary breast and ovarian cancer syndrome (HBOC); Hereditary breast and/or ovarian cancer syndrome; Breast and ovarian cancer; Hereditary breast and ovarian cancer syndrome; BRCA1- and BRCA2-Associated Hereditary Breast and Ovarian Cancer. Identifiers: Orphanet 145, MedGen C0677776, MeSH D061325, MONDO:0003582. Disease mechanism: loss of function.
Breast-ovarian cancer, familial, susceptibility to, 2 (BROVCA2). Also called: BRCA2 Hereditary Breast and Ovarian Cancer. Identifiers: Orphanet 145, MedGen C2675520, MONDO:0012933, OMIM 612555. Disease mechanism: loss of function.
Familial cancer of breast. Also called: Hereditary breast cancer; BREAST CANCER, FAMILIAL; hereditary breast carcinoma. Identifiers: Orphanet 227535, MedGen C0346153, MONDO:0016419, OMIM 114480. Disease mechanism: loss of function.

Submissions (8):

Evidence-based Network for the Interpretation of Germline Mutant Alleles (ENIGMA)
Classification: Pathogenic for Breast-ovarian cancer, familial, susceptibility to, 2. Last evaluated: 2016-09-08. Review status: reviewed by expert panel. Criteria: ENIGMA BRCA1/2 Classification Criteria (2015). Collection method: curation. Allele origin: germline.
Comment: Variant allele predicted to encode a truncated non-functional protein.

Labcorp Genetics (formerly Invitae), Labcorp
Classification: Pathogenic for Hereditary breast ovarian cancer syndrome. Last evaluated: 2026-02-03. Review status: criteria provided, single submitter. Criteria: Invitae Variant Classification Sherloc (09022015). Collection method: clinical testing. Allele origin: germline. Not counted in ClinVar's aggregate classification.
Comment: This sequence change creates a premature translational stop signal (p.Asn827Lysfs*3) in the BRCA2 gene. It is expected to result in an absent or disrupted protein product. Loss-of-function variants in BRCA2 are known to be pathogenic (PMID: 20104584). This variant is not present in population databases (gnomAD no frequency). This variant has not been reported in the literature in individuals affected with BRCA2-related conditions. ClinVar contains an entry for this variant (Variation ID: 37787). For these reasons, this variant has been classified as Pathogenic.

Ambry Genetics
Classification: Pathogenic for Hereditary cancer-predisposing syndrome. Last evaluated: 2024-10-01. Review status: criteria provided, single submitter. Criteria: Ambry Variant Classification Scheme 2023. Collection method: clinical testing. Allele origin: germline. Not counted in ClinVar's aggregate classification.
Comment: The c.2480dupA pathogenic mutation, located in coding exon 10 of the BRCA2 gene, results from a duplication of A at nucleotide position 2480, causing a translational frameshift with a predicted alternate stop codon (p.N827Kfs*3). This variant is considered to be rare based on population cohorts in the Genome Aggregation Database (gnomAD). This alteration is expected to result in loss of function by premature protein truncation or nonsense-mediated mRNA decay. As such, this alteration is interpreted as a disease-causing mutation.

Quest Diagnostics Nichols Institute San Juan Capistrano
Classification: Likely pathogenic. Last evaluated: 2023-11-21. Review status: criteria provided, single submitter. Criteria: Quest Diagnostics criteria. Collection method: clinical testing. Allele origin: unknown. Not counted in ClinVar's aggregate classification.
Comment: The BRCA2 c.2480dup (p.Asn827Lysfs*3) variant alters the translational reading frame of the BRCA2 mRNA and is predicted to cause the premature termination of BRCA2 protein synthesis. This variant has been reported in the published literature in a cohort of those undergoing multigene panel testing (PMIDs: 31853058 (2020), 28888541 (2017)). This variant has not been reported in large, multi-ethnic general populations (Genome Aggregation Database). Based on the available information, this variant is classified as likely pathogenic.

Baylor Genetics
Classification: Pathogenic for Familial cancer of breast. Last evaluated: 2023-10-18. Review status: criteria provided, single submitter. Criteria: ACMG Guidelines, 2015. Collection method: clinical testing. Allele origin: unknown. Not counted in ClinVar's aggregate classification.

GeneDx
Classification: Pathogenic. Last evaluated: 2021-06-22. Review status: criteria provided, single submitter. Criteria: GeneDx Variant Classification Process June 2021. Collection method: clinical testing. Allele origin: germline. Affected: yes. Not counted in ClinVar's aggregate classification.
Comment: Frameshift variant predicted to result in protein truncation or nonsense mediated decay in a gene for which loss-of-function is a known mechanism of disease; Has not been previously published as pathogenic or benign to our knowledge; Not observed at significant frequency in large population cohorts (Lek 2016); Truncating variants in this gene are considered pathogenic by a well-established clinical consortium and/or database; This variant is associated with the following publications: (PMID: 27535533, 28152038)

Women's Health and Genetics/Laboratory Corporation of America, LabCorp
Classification: Pathogenic for Hereditary breast and ovarian cancer syndrome. Last evaluated: 2019-06-17. Review status: criteria provided, single submitter. Criteria: LabCorp Variant Classification Summary - May 2015. Collection method: clinical testing. Allele origin: germline. Not counted in ClinVar's aggregate classification.
Comment: Variant summary: BRCA2 c.2480dupA (p.Asn827LysfsX3) results in a premature termination codon, predicted to cause a truncation of the encoded protein or absence of the protein due to nonsense mediated decay, which are commonly known mechanisms for disease. Truncations downstream of this position have been classified as pathogenic by our laboratory. The variant was absent in 239098 control chromosomes (gnomAD). c.2480dupA has been reported in the literature to be found in an internal sample at Ambry Genetics (LaDuca_2017). To our knowledge, no experimental evidence demonstrating an impact on protein function has been reported. Four ClinVar submissions from clinical diagnostic laboratories and an expert panel (ENIGMA)(evaluation after 2014) cite the variant as pathogenic. Based on the evidence outlined above, the variant was classified as pathogenic.

Sharing Clinical Reports Project (SCRP)
Classification: Pathogenic for Breast-ovarian cancer, familial 2. Last evaluated: 2009-06-09. Review status: no assertion criteria provided. Collection method: clinical testing. Allele origin: germline. Not counted in ClinVar's aggregate classification.

Literature cited by the submitters: PubMed 20104584 (cited by Labcorp Genetics (formerly Invitae), Labcorp); PubMed 31853058 (cited by Quest Diagnostics Nichols Institute San Juan Capistrano); PubMed 28888541 (cited by Quest Diagnostics Nichols Institute San Juan Capistrano); PubMed 28152038 (cited by Women's Health and Genetics/Laboratory Corporation of America, LabCorp).

NM_000059.4(BRCA2):c.2480dup (p.Asn827fs)

Gene: BRCA2 (BRCA2 DNA repair associated; plus strand). Cytogenetic location: 13q13.1.
Variant type: Duplication.
Coding change: c.2480dup on transcript NM_000059.4 (MANE Select); coding-DNA position 2480, one base duplicated (A; older notation c.2480dupA).
Protein change: p.Asn827fs; shifts the reading frame from asparagine 827.
Molecular consequence: frameshift variant.
Genome position (GRCh38, 1-based): chr13:32,336,835, A duplicated; the last of 4 consecutive A bases (chr13:32,336,832-32,336,835); duplicating any one gives the same sequence. VCF-style (leftmost placement, unchanged base first): chr13-32336831-G-GA. GRCh37 (hg19) VCF-style: chr13-32910968-G-GA.
Other names: 2708insA; c.2480dupA (NM_000059.3); short protein forms N827fs.
Identifiers: ClinVar variation 37787 (VCV000037787.23), dbSNP rs397507286, ClinGen allele CA015423.